The following is an entry in ClinVar:

ClinVar aggregate classification (germline): Uncertain significance. Review status: criteria provided, multiple submitters, no conflicts (2 of 4 stars). 2 submissions from 2 submitters: Uncertain significance (2). Last evaluated 2025-08-31.

Conditions:
Inborn genetic diseases. Identifiers: MedGen C0950123, MeSH D030342.
Acrocallosal syndrome (ACLS). Also called: HALLUX DUPLICATION, POSTAXIAL POLYDACTYLY, AND ABSENCE OF CORPUS CALLOSUM; Schinzel syndrome 1; Absence of corpus callosum with unusual facial appearance, mental deficiency, duplication of the halluces and polydactyly. Identifiers: Orphanet 36, MedGen C0796147, MONDO:0008708, OMIM 200990.

Allele frequency attached by ClinVar (database versions not stated): gnomAD 0.00001; TOPMed 0.00001.
gnomAD v4.1: 100 of 1,364,324 alleles (0.0073%); highest among the groups gnomAD compares: Non-Finnish European, 0.0095%; no homozygotes.

Submissions (2):

Ambry Genetics
Classification: Uncertain significance for Inborn genetic diseases. Last evaluated: 2025-08-31. Review status: criteria provided, single submitter. Criteria: Ambry Variant Classification Scheme 2023. Collection method: clinical testing. Allele origin: germline.

Labcorp Genetics (formerly Invitae), Labcorp
Classification: Uncertain significance for Acrocallosal syndrome. Last evaluated: 2023-11-20. Review status: criteria provided, single submitter. Criteria: Invitae Variant Classification Sherloc (09022015). Collection method: clinical testing. Allele origin: germline.
Comment: This sequence change replaces arginine, which is basic and polar, with leucine, which is neutral and non-polar, at codon 383 of the KIF7 protein (p.Arg383Leu). This variant is not present in population databases (gnomAD no frequency). This variant has not been reported in the literature in individuals affected with KIF7-related conditions. ClinVar contains an entry for this variant (Variation ID: 2075828). Advanced modeling of protein sequence and biophysical properties (such as structural, functional, and spatial information, amino acid conservation, physicochemical variation, residue mobility, and thermodynamic stability) has been performed at Invitae for this missense variant, however the output from this modeling did not meet the statistical confidence thresholds required to predict the impact of this variant on KIF7 protein function. In summary, the available evidence is currently insufficient to determine the role of this variant in disease. Therefore, it has been classified as a Variant of Uncertain Significance.

NM_198525.3(KIF7):c.1148G>T (p.Arg383Leu)

Gene: KIF7 (kinesin family member 7; minus strand). Cytogenetic location: 15q26.1.
Variant type: single nucleotide variant.
Coding change: c.1148G>T on transcript NM_198525.3 (MANE Select); coding-DNA position 1148, G replaced by T.
Protein change: p.Arg383Leu; replaces arginine 383 with leucine.
Molecular consequence: missense variant.
Genome position (GRCh38, 1-based): chr15:89,648,550, C>A on the plus strand (G>T on the coding strand, the complement: KIF7 is on the minus strand). VCF-style: chr15-89648550-C-A. GRCh37 (hg19) VCF-style: chr15-90191781-C-A.
Other names: c.1148G>T (NM_198525.2); short protein forms R383L.
Identifiers: ClinVar variation 2075828 (VCV002075828.5), dbSNP rs1223367049, ClinGen allele CA393772209.